The following is an entry in ClinVar:

NM_031407.7(HUWE1):c.2991A>G (p.Ala997=)

Gene: HUWE1 (HECT, UBA and WWE domain containing E3 ubiquitin protein ligase 1; minus strand). Cytogenetic location: Xp11.22.
Variant type: single nucleotide variant.
Coding change: c.2991A>G on transcript NM_031407.7 (MANE Select); coding-DNA position 2991, A replaced by G.
Protein change: p.Ala997=; no amino-acid change (alanine 997 retained).
Molecular consequence: synonymous variant.
Genome position (GRCh38, 1-based): chrX:53,600,290, T>C on the plus strand (A>G on the coding strand, the complement: HUWE1 is on the minus strand). VCF-style: chrX-53600290-T-C. GRCh37 (hg19) VCF-style: chrX-53627250-T-C.
Identifiers: ClinVar variation 2660627 (VCV002660627.24), dbSNP rs782137847, ClinGen allele CA10422620.

ClinVar aggregate classification (germline): Likely benign (1 of 4 stars; one submission).

Allele frequency attached by ClinVar (database versions not stated): gnomAD exomes below 0.00001; TOPMed below 0.00001; ExAC 0.00002.
gnomAD v4.1: 7 of 1,205,882 alleles (0.00058%); highest among the groups gnomAD compares: Non-Finnish European, 0.00056%; no homozygotes.

Submission:

CeGaT Center for Human Genetics Tuebingen
Classification: Likely benign. Last evaluated: 2023-06-01. Review status: criteria provided, single submitter. Criteria: CeGaT Center For Human Genetics Tuebingen Variant Classification Criteria Version 2. Collection method: clinical testing. Allele origin: germline. Affected: yes. Observed: 2 variant alleles.
Comment: HUWE1: BP4, BP7